The following is an entry in ClinVar:

NM_001099857.5(IKBKG):c.563dup (p.Glu189fs)

Gene: IKBKG (inhibitor of nuclear factor kappa B kinase regulatory subunit gamma; plus strand). Cytogenetic location: Xq28.
Variant type: Duplication.
Coding change: c.563dup on transcript NM_001099857.5 (MANE Select); coding-DNA position 563, one base duplicated (G; older notation c.563dupG).
Protein change: p.Glu189fs; shifts the reading frame from glutamic acid 189.
Molecular consequence: frameshift variant. On other transcripts: intron variant (3).
Genome position (GRCh38, 1-based): chrX:154,560,451, G duplicated. VCF-style (leftmost placement, unchanged base first): chrX-154560450-C-CG. GRCh37 (hg19) VCF-style: chrX-153788665-C-CG.
Other names: c.767dup, p.Glu257fs (NM_001099856.6); c.563dup, p.Glu189fs (NM_001321396.3, NM_001377312.1, NM_003639.4); c.560dup, p.Glu188fs (NM_001321397.3, NM_001377313.1); c.519-1237dup (NM_001145255.4); c.516-1237dup (NM_001377314.1); c.400-2359dup (NM_001377315.1); short protein forms E188fs, E189fs, E257fs.
Identifiers: ClinVar variation 4856155 (VCV004856155.1).

ClinVar aggregate classification (germline): Likely pathogenic (1 of 4 stars; one submission).

Conditions:
Incontinentia pigmenti syndrome (IP). Also called: BLOCH-SULZBERGER SYNDROME; INCONTINENTIA PIGMENTI, FAMILIAL MALE-LETHAL TYPE; INCONTINENTIA PIGMENTI, TYPE II; Incontinentia Pigmenti. Identifiers: Orphanet 464, MedGen C0021171, MONDO:0010631, OMIM 308300.

Submission:

3billion
Classification: Likely pathogenic for Incontinentia pigmenti syndrome. Last evaluated: 2025-05-19. Review status: criteria provided, single submitter. Criteria: ACMG Guidelines, 2015. Collection method: clinical testing. Allele origin: germline. Affected: yes.
Comment: The variant is not observed in the gnomAD v4.1.0 dataset. Predicted Consequence/Location: Frameshift: predicted to result in a loss or disruption of normal protein function through nonsense-mediated decay (NMD) or protein truncation. Multiple pathogenic variants are reported downstream of the variant. Therefore, this variant is classified as Likely pathogenic according to the recommendation of ACMG/AMP guideline.